The following is an entry in ClinVar:

ClinVar aggregate classification (germline): Benign. Review status: criteria provided, multiple submitters, no conflicts (2 of 4 stars). 4 submissions from 4 submitters: Benign (4). Last evaluated 2024-11-26.

Conditions:
Subcutaneous panniculitis-like T-cell lymphoma (SPTCL). Identifiers: Orphanet 86884, MedGen C0522624, MONDO:0019475, OMIM 618398, HP:0034403.

Allele frequency attached by ClinVar (database versions not stated): ESP Exome Variant Server 0.81247; gnomAD 0.82762 and 0.83369; gnomAD exomes 0.83366 and 0.86528; TOPMed 0.83606; ExAC 0.86704; 1000 Genomes Project 30x 0.88086; 1000 Genomes Project 0.88319.
gnomAD v4.1: 1,335,289 of 1,600,776 alleles (83%); highest among the groups gnomAD compares: East Asian, 98%; 558,802 homozygotes.

Submissions (5):

Blueprint Genetics
Classification: Benign. Last evaluated: 2024-11-26. Review status: criteria provided, single submitter. Criteria: ACMG Guidelines, 2015. Collection method: clinical testing. Allele origin: germline.

Unidad de Genómica Garrahan, Hospital de Pediatría Garrahan
Classification: Benign. Last evaluated: 2024-01-24. Review status: criteria provided, single submitter. Criteria: ACMG Guidelines, 2015. Collection method: clinical testing. Allele origin: germline. Affected: no. Observed: 94 variant alleles.
Comment: This variant is classified as Benign based on local population frequency. This variant was detected in 99% of patients studied by a panel of primary immunodeficiencies. Number of patients: 94. Only high quality variants are reported.

Mayo Clinic Laboratories, Mayo Clinic
Classification: Benign. Last evaluated: 2022-09-06. Review status: criteria provided, single submitter. Criteria: ACMG Guidelines, 2015. Collection method: clinical testing. Allele origin: germline. Observed: 430 variant alleles.

Genome-Nilou Lab
Classification: Benign for Subcutaneous panniculitis-like T-cell lymphoma. Last evaluated: 2021-08-10. Review status: criteria provided, single submitter. Criteria: ACMG Guidelines, 2015. Collection method: clinical testing. Allele origin: germline. Affected: no.

Dr. Peter K. Rogan Lab, Western University
No classification provided (evidence only). Condition: Familial cancer of breast. Review status: no classification provided. Collection method: in vitro. Allele origin: not applicable. Functional consequence: skipped exon. Not counted in ClinVar's aggregate classification.

NM_032782.5(HAVCR2):c.419G>T (p.Arg140Leu)

Gene: HAVCR2 (hepatitis A virus cellular receptor 2; minus strand). Cytogenetic location: 5q33.3.
Variant type: single nucleotide variant.
Coding change: c.419G>T on transcript NM_032782.5 (MANE Select); coding-DNA position 419, G replaced by T.
Protein change: p.Arg140Leu; replaces arginine 140 with leucine.
Molecular consequence: missense variant.
Genome position (GRCh38, 1-based): chr5:157,104,725, C>A on the plus strand (G>T on the coding strand, the complement: HAVCR2 is on the minus strand). VCF-style: chr5-157104725-C-A. GRCh37 (hg19) VCF-style: chr5-156531736-C-A.
Other names: NC_000005.9:g.156531736C>A; p.Arg140Leu; short protein forms R140L.
Identifiers: ClinVar variation 1285330 (VCV001285330.7), dbSNP rs1036199, ClinGen allele CA3531919.